The following is an entry in ClinVar:

NM_181303.2(NLGN3):c.1606G>T (p.Val536Leu)

Gene: NLGN3 (neuroligin 3; plus strand). Cytogenetic location: Xq13.1.
Variant type: single nucleotide variant.
Coding change: c.1606G>T on transcript NM_181303.2 (MANE Select); coding-DNA position 1606, G replaced by T.
Protein change: p.Val536Leu; replaces valine 536 with leucine.
Molecular consequence: missense variant.
Genome position (GRCh38, 1-based): chrX:71,167,703, G>T. VCF-style: chrX-71167703-G-T. GRCh37 (hg19) VCF-style: chrX-70387553-G-T.
Other names: c.1486G>T, p.Val496Leu (NM_001166660.2); c.1195G>T, p.Val399Leu (NM_001321276.2); c.1546G>T, p.Val516Leu (NM_018977.4); short protein forms V399L, V496L, V516L, V536L.
Identifiers: ClinVar variation 3369039 (VCV003369039.1).

ClinVar aggregate classification (germline): Uncertain significance (1 of 4 stars; one submission).

gnomAD v4.1: 1 of 1,211,274 alleles (0.000083%); highest among the groups gnomAD compares: Non-Finnish European, 0.00011%; no homozygotes.

Submission:

GeneDx
Classification: Uncertain significance. Last evaluated: 2024-02-15. Review status: criteria provided, single submitter. Criteria: GeneDx Variant Classification Process June 2021. Collection method: clinical testing. Allele origin: germline. Affected: yes.
Comment: Not observed at significant frequency in large population cohorts (gnomAD); In silico analysis supports that this missense variant does not alter protein structure/function; Has not been previously published as pathogenic or benign to our knowledge